The following is an entry in ClinVar:

ClinVar aggregate classification (germline): Conflicting classifications of pathogenicity. Review status: criteria provided, conflicting classifications (1 of 4 stars). 3 submissions from 3 submitters: Uncertain significance (2); Likely benign (1). Last evaluated 2026-08-12.

Conditions:
CFAP418-related disorder. Also called: CFAP418-related condition.

Allele frequency attached by ClinVar (database versions not stated): ExAC 0.00003; TOPMed 0.00009; gnomAD 0.00011 and 0.00013; gnomAD exomes 0.00001 and 0.00002.
gnomAD v4.1: 25 of 1,614,004 alleles (0.0015%); highest among the groups gnomAD compares: African/African-American, 0.032%; no homozygotes.

Submissions (3):

PreventionGenetics, part of Exact Sciences
Classification: Uncertain significance for CFAP418-related condition. Last evaluated: 2026-08-12. Review status: criteria provided, single submitter. Criteria: ACMG Guidelines, 2015. Collection method: clinical testing. Allele origin: germline.
Comment: The CFAP418 c.133G>A variant is predicted to result in the amino acid substitution p.Ala45Thr. To our knowledge, this variant has not been reported in the literature. This variant is reported in 0.036% of alleles in individuals of African descent in gnomAD. At this time, the clinical significance of this variant is uncertain due to the absence of conclusive functional and genetic evidence.

Labcorp Genetics (formerly Invitae), Labcorp
Classification: Uncertain significance. Last evaluated: 2024-10-26. Review status: criteria provided, single submitter. Criteria: Invitae Variant Classification Sherloc (09022015). Collection method: clinical testing. Allele origin: germline.
Comment: This sequence change replaces alanine, which is neutral and non-polar, with threonine, which is neutral and polar, at codon 45 of the C8orf37 protein (p.Ala45Thr). This variant is present in population databases (rs763542779, gnomAD 0.03%). This variant has not been reported in the literature in individuals affected with C8orf37-related conditions. ClinVar contains an entry for this variant (Variation ID: 1063549). An algorithm developed to predict the effect of missense changes on protein structure and function outputs the following: PolyPhen-2: "Benign". The threonine amino acid residue is found in multiple mammalian species, which suggests that this missense change does not adversely affect protein function. In summary, the available evidence is currently insufficient to determine the role of this variant in disease. Therefore, it has been classified as a Variant of Uncertain Significance.

Blueprint Genetics
Classification: Likely benign. Last evaluated: 2021-10-05. Review status: criteria provided, single submitter. Criteria: ACMG Guidelines, 2015. Collection method: clinical testing. Allele origin: germline.

NM_177965.4(CFAP418):c.133G>A (p.Ala45Thr)

Genes: CFAP418 (cilia and flagella associated protein 418; minus strand), CFAP418-AS1 (CFAP418 antisense RNA 1; plus strand), LOC130000784 (ATAC-STARR-seq lymphoblastoid active region 27655; plus strand). Cytogenetic location: 8q22.1.
Variant type: single nucleotide variant.
Coding change: c.133G>A on transcript NM_177965.4 (MANE Select); coding-DNA position 133, G replaced by A.
Protein change: p.Ala45Thr; replaces alanine 45 with threonine.
Molecular consequence: missense variant.
Genome position (GRCh38, 1-based): chr8:95,269,057, C>T on the plus strand (G>A on the coding strand, the complement: CFAP418 is on the minus strand). VCF-style: chr8-95269057-C-T. GRCh37 (hg19) VCF-style: chr8-96281285-C-T.
Other names: c.133G>A (NM_177965.3); c.133G>A, p.Ala45Thr (NM_001363260.1); short protein forms A45T.
Identifiers: ClinVar variation 1063549 (VCV001063549.8), dbSNP rs763542779, ClinGen allele CA4815263.